The following is an entry in ClinVar:

NM_001035.3(RYR2):c.14387G>A (p.Ser4796Asn)

Gene: RYR2 (ryanodine receptor 2; plus strand). Cytogenetic location: 1q43.
Variant type: single nucleotide variant.
Coding change: c.14387G>A on transcript NM_001035.3 (MANE Select); coding-DNA position 14387, G replaced by A.
Protein change: p.Ser4796Asn; replaces serine 4796 with asparagine.
Molecular consequence: missense variant.
Genome position (GRCh38, 1-based): chr1:237,808,989, G>A. VCF-style: chr1-237808989-G-A. GRCh37 (hg19) VCF-style: chr1-237972289-G-A.
Other names: short protein forms S4796N.
Identifiers: ClinVar variation 4707815 (VCV004707815.2).

ClinVar aggregate classification (germline): Uncertain significance. Review status: criteria provided, multiple submitters, no conflicts (2 of 4 stars). 2 submissions from 2 submitters: Uncertain significance (2). Last evaluated 2025-09-15.

Conditions:
Catecholaminergic polymorphic ventricular tachycardia 1. Also called: VENTRICULAR TACHYCARDIA, STRESS-INDUCED POLYMORPHIC 1; VENTRICULAR TACHYCARDIA, CATECHOLAMINERGIC POLYMORPHIC, 1, WITH OR WITHOUT ATRIAL DYSFUNCTION AND/OR DILATED CARDIOMYOPATHY; RYR2-Related Catecholaminergic Polymorphic Ventricular Tachycardia. Identifiers: Orphanet 3286, MedGen C1631597, MONDO:0011484, OMIM 604772.

gnomAD v4.1: 1 of 1,613,330 alleles (0.000062%); highest among the groups gnomAD compares: East Asian, 0.0022%; no homozygotes.

Submissions (2):

3billion
Classification: Uncertain significance for Catecholaminergic polymorphic ventricular tachycardia 1. Last evaluated: 2025-09-15. Review status: criteria provided, single submitter. Criteria: ACMG Guidelines, 2015. Collection method: clinical testing. Allele origin: germline. Affected: yes.
Comment: The variant is observed at an extremely low frequency in the gnomAD v4.1.0 dataset (total allele frequency: <0.001%). Predicted Consequence/Location: The variant is located in a mutational hot spot and/or well-established functional domain in which established pathogenic variants have been reported (PMID: 17081562). Missense variant. Missense changes are a common disease-causing mechanism. In silico tool predictions suggest damaging effect of the variant on gene or gene product [3Cnet: 0.93 (> 0.75, sensitivity 0.96 and precision 0.92)]. Different missense changes at the same codon have been reported as of uncertain significance (ClinVar ID: VCV003791618). Therefore, this variant is classified as VUS according to the recommendation of ACMG/AMP guideline.

Labcorp Genetics (formerly Invitae), Labcorp
Classification: Uncertain significance for Catecholaminergic polymorphic ventricular tachycardia 1. Last evaluated: 2025-06-24. Review status: criteria provided, single submitter. Criteria: Invitae Variant Classification Sherloc (09022015). Collection method: clinical testing. Allele origin: germline.
Comment: This sequence change replaces serine, which is neutral and polar, with asparagine, which is neutral and polar, at codon 4796 of the RYR2 protein (p.Ser4796Asn). This variant is not present in population databases (gnomAD no frequency). This variant has not been reported in the literature in individuals affected with RYR2-related conditions. Invitae Evidence Modeling of protein sequence and biophysical properties (such as structural, functional, and spatial information, amino acid conservation, physicochemical variation, residue mobility, and thermodynamic stability) has been performed for this missense variant. However, the output from this modeling did not meet the statistical confidence thresholds required to predict the impact of this variant on RYR2 protein function. In summary, the available evidence is currently insufficient to determine the role of this variant in disease. Therefore, it has been classified as a Variant of Uncertain Significance.